The following is an entry in ClinVar:

ClinVar aggregate classification (germline): Uncertain significance (1 of 4 stars; one submission).

Conditions:
Hereditary cancer-predisposing syndrome. Also called: Hereditary neoplastic syndrome; Neoplastic Syndromes, Hereditary; Tumor predisposition; Hereditary Cancer Syndrome. Identifiers: Orphanet 140162, MedGen C0027672, MeSH D009386, MONDO:0015356.

Submission:

Ambry Genetics
Classification: Uncertain significance for Hereditary cancer-predisposing syndrome. Last evaluated: 2022-06-26. Review status: criteria provided, single submitter. Criteria: Ambry Variant Classification Scheme 2023. Collection method: clinical testing. Allele origin: germline.
Comment: The p.L2416V variant (also known as c.7246C>G), located in coding exon 48 of the ATM gene, results from a C to G substitution at nucleotide position 7246. The leucine at codon 2416 is replaced by valine, an amino acid with highly similar properties. This amino acid position is conserved. In addition, the in silico prediction for this alteration is inconclusive. Since supporting evidence is limited at this time, the clinical significance of this alteration remains unclear.

NM_000051.4(ATM):c.7246C>G (p.Leu2416Val)

Genes: ATM (ATM serine/threonine kinase; plus strand), C11orf65 (chromosome 11 open reading frame 65; minus strand). Cytogenetic location: 11q22.3.
Variant type: single nucleotide variant.
Coding change: c.7246C>G on transcript NM_000051.4 (MANE Select); coding-DNA position 7246, C replaced by G.
Protein change: p.Leu2416Val; replaces leucine 2416 with valine.
Molecular consequence: missense variant. On other transcripts: intron variant (2).
Genome position (GRCh38, 1-based): chr11:108,329,177, C>G. VCF-style: chr11-108329177-C-G. GRCh37 (hg19) VCF-style: chr11-108199904-C-G.
Other names: c.7246C>G, p.Leu2416Val (NM_001351834.2); c.641-20106G>C (NM_001330368.2); c.*38+6043G>C (NM_001351110.2); short protein forms L2416V.
Identifiers: ClinVar variation 1757889 (VCV001757889.2), dbSNP rs1060501615, ClinGen allele CA382559714.